The following is an entry in ClinVar:

NM_004946.3(DOCK2):c.2414A>T (p.Asp805Val)

Gene: DOCK2 (dedicator of cytokinesis 2; plus strand). Cytogenetic location: 5q35.1.
Variant type: single nucleotide variant.
Coding change: c.2414A>T on transcript NM_004946.3 (MANE Select); coding-DNA position 2414, A replaced by T.
Protein change: p.Asp805Val; replaces aspartic acid 805 with valine.
Molecular consequence: missense variant. On other transcripts: non-coding transcript variant (1).
Genome position (GRCh38, 1-based): chr5:169,759,742, A>T. VCF-style: chr5-169759742-A-T. GRCh37 (hg19) VCF-style: chr5-169186746-A-T.
Other names: short protein forms D805V.
Identifiers: ClinVar variation 1038370 (VCV001038370.8), dbSNP rs1764375441, ClinGen allele CA362197367.

ClinVar aggregate classification (germline): Uncertain significance (1 of 4 stars; one submission).

Conditions:
DOCK2 deficiency. Also called: Immunodeficiency 40. Identifiers: Orphanet 447737, MedGen C4225328, MONDO:0014637, OMIM 616433.

Submission:

Labcorp Genetics (formerly Invitae), Labcorp
Classification: Uncertain significance for DOCK2 deficiency. Last evaluated: 2020-04-06. Review status: criteria provided, single submitter. Criteria: Invitae Variant Classification Sherloc (09022015). Collection method: clinical testing. Allele origin: germline.
Comment: This variant has not been reported in the literature in individuals with DOCK2-related conditions. In summary, the available evidence is currently insufficient to determine the role of this variant in disease. Therefore, it has been classified as a Variant of Uncertain Significance. Algorithms developed to predict the effect of missense changes on protein structure and function are either unavailable or do not agree on the potential impact of this missense change (SIFT: "Deleterious"; PolyPhen-2: "Probably Damaging"; Align-GVGD: "Class C0"). This variant is not present in population databases (ExAC no frequency). This sequence change replaces aspartic acid with valine at codon 805 of the DOCK2 protein (p.Asp805Val). The aspartic acid residue is moderately conserved and there is a large physicochemical difference between aspartic acid and valine.